The following is an entry in ClinVar:

NM_001080414.4(CCDC88C):c.607C>T (p.Arg203Trp)

Gene: CCDC88C (coiled-coil and HOOK domain protein 88C; minus strand). Cytogenetic location: 14q32.11.
Variant type: single nucleotide variant.
Coding change: c.607C>T on transcript NM_001080414.4 (MANE Select); coding-DNA position 607, C replaced by T.
Protein change: p.Arg203Trp; replaces arginine 203 with tryptophan.
Molecular consequence: missense variant. On other transcripts: non-coding transcript variant (2).
Genome position (GRCh38, 1-based): chr14:91,339,901, G>A on the plus strand (C>T on the coding strand, the complement: CCDC88C is on the minus strand). VCF-style: chr14-91339901-G-A. GRCh37 (hg19) VCF-style: chr14-91806245-G-A.
Other names: short protein forms R203W.
Identifiers: ClinVar variation 5003968 (VCV005003968.1).
Genomic context (GRCh38, chr14:91,339,901, plus strand): 5'-AGCCCCTTCCCAGGCTGACCGGGCCACCGACCCGCGGACGCACCTCGGTGCACTCGTCCC[G>A]CTGGTCGATGAGCCTCCGCAGGTGGAGCACCATGCTCCTCGACAGGGCCTCCAGCTCCTC-3'
Protein context (NP_001073883.2, residues 193-213): VLHLRRLIDQ[Arg203Trp]DECTELIVDL

ClinVar aggregate classification (germline): Uncertain significance (1 of 4 stars; one submission).

Conditions:
Hydrocephalus, nonsyndromic, autosomal recessive 1 (HYC1). Also called: Congenital hydrocephalus 1; Hydrocephalus, nonsyndromic, autosomal recessive. Identifiers: Orphanet 2185, MedGen C3887608, MONDO:0009360, OMIM 236600.

gnomAD v4.1: 8 of 1,589,524 alleles (0.0005%); highest among the groups gnomAD compares: East Asian, 0.007%; no homozygotes.

Submission:

Myriad Genetics, Inc.
Classification: Uncertain significance for Hydrocephalus, nonsyndromic, autosomal recessive 1. Last evaluated: 2026-05-20. Review status: criteria provided, single submitter. Criteria: Myriad Autosomal Dominant, Autosomal Recessive and X-Linked Classification Criteria (2023). Collection method: clinical testing. Allele origin: unknown.
Comment: NM_001080414.3(CCDC88C):c.607C>T(R203W) is a missense variant classified as a variant of uncertain significance in the context of congenital hydrocephalus, CCDC88C-related. R203W has not been observed in cases with relevant disease. Relevant functional assessments of this variant are available in the literature (PMID: 36768938). R203W has been observed in referenced population frequency databases. In summary, there is insufficient evidence to classify NM_001080414.3(CCDC88C):c.607C>T(R203W) as pathogenic or benign. Please note: this variant was assessed in the context of healthy population screening.

Literature cited by the submitters: PubMed 36768938.